The following is an entry in ClinVar:

NM_006231.4(POLE):c.4367C>T (p.Ser1456Leu)

Gene: POLE (DNA polymerase epsilon, catalytic subunit; minus strand). Cytogenetic location: 12q24.33.
Variant type: single nucleotide variant.
Coding change: c.4367C>T on transcript NM_006231.4 (MANE Select); coding-DNA position 4367, C replaced by T.
Protein change: p.Ser1456Leu; replaces serine 1456 with leucine.
Molecular consequence: missense variant.
Genome position (GRCh38, 1-based): chr12:132,643,484, G>A on the plus strand (C>T on the coding strand, the complement: POLE is on the minus strand). VCF-style: chr12-132643484-G-A. GRCh37 (hg19) VCF-style: chr12-133220070-G-A.
Other names: short protein forms S1456L.
Identifiers: ClinVar variation 3644447 (VCV003644447.2).

ClinVar aggregate classification (germline): Uncertain significance (1 of 4 stars; one submission).

Submission:

Labcorp Genetics (formerly Invitae), Labcorp
Classification: Uncertain significance. Last evaluated: 2024-03-04. Review status: criteria provided, single submitter. Criteria: Invitae Variant Classification Sherloc (09022015). Collection method: clinical testing. Allele origin: germline.
Comment: This sequence change replaces serine, which is neutral and polar, with leucine, which is neutral and non-polar, at codon 1456 of the POLE protein (p.Ser1456Leu). This variant is not present in population databases (gnomAD no frequency). This variant has not been reported in the literature in individuals affected with POLE-related conditions. An algorithm developed to predict the effect of missense changes on protein structure and function (PolyPhen-2) suggests that this variant is likely to be tolerated. In summary, the available evidence is currently insufficient to determine the role of this variant in disease. Therefore, it has been classified as a Variant of Uncertain Significance.